The following is an entry in ClinVar:

NM_001253697.2(ERBIN):c.3981A>G (p.Glu1327=)

Gene: ERBIN (erbb2 interacting protein; plus strand). Cytogenetic location: 5q12.3.
Variant type: single nucleotide variant.
Coding change: c.3981A>G on transcript NM_001253697.2 (MANE Select); coding-DNA position 3981, A replaced by G.
Protein change: p.Glu1327=; no amino-acid change (glutamic acid 1327 retained).
Molecular consequence: synonymous variant.
Genome position (GRCh38, 1-based): chr5:66,076,333, A>G. VCF-style: chr5-66076333-A-G. GRCh37 (hg19) VCF-style: chr5-65372161-A-G.
Other names: c.3651A>G, p.Glu1217= (NM_001006600.3); c.3858A>G, p.Glu1286= (NM_001253698.2, NM_018695.4); c.4002A>G, p.Glu1334= (NM_001253699.2); c.3846A>G, p.Glu1282= (NM_001253701.2).
Identifiers: ClinVar variation 3052941 (VCV003052941.2), dbSNP rs2546888217, ClinGen allele CA444484450.

ClinVar aggregate classification (germline): Likely benign (0 of 4 stars; one submission).

Conditions:
ERBIN-related disorder. Also called: ERBIN-related condition.

Submission:

PreventionGenetics, part of Exact Sciences
Classification: Likely benign for ERBIN-related condition. Last evaluated: 2019-08-21. Review status: no assertion criteria provided. Collection method: clinical testing. Allele origin: germline.
Comment: This variant is classified as likely benign based on ACMG/AMP sequence variant interpretation guidelines (Richards et al. 2015 PMID: 25741868, with internal and published modifications).